The following is an entry in ClinVar:

NM_004638.4(PRRC2A):c.5320G>A (p.Val1774Met)

Gene: PRRC2A (proline rich coiled-coil 2A; plus strand). Cytogenetic location: 6p21.33.
Variant type: single nucleotide variant.
Coding change: c.5320G>A on transcript NM_004638.4 (MANE Select); coding-DNA position 5320, G replaced by A.
Protein change: p.Val1774Met; replaces valine 1774 with methionine.
Molecular consequence: missense variant.
Genome position (GRCh38, 1-based): chr6:31,635,412, G>A. VCF-style: chr6-31635412-G-A. GRCh37 (hg19) VCF-style: chr6-31603189-G-A.
Other names: c.5320G>A, p.Val1774Met (NM_080686.3); short protein forms V1774M.
Identifiers: ClinVar variation 3057120 (VCV003057120.2), dbSNP rs11538264, ClinGen allele CA3716487.

ClinVar aggregate classification (germline): Benign (0 of 4 stars; one submission).

Conditions:
PRRC2A-related disorder. Also called: PRRC2A-related condition.

Allele frequency attached by ClinVar (database versions not stated): gnomAD exomes 0.02324; ExAC 0.03144; gnomAD 0.04505; 1000 Genomes Project 0.04633; ESP Exome Variant Server 0.04787; 1000 Genomes Project 30x 0.04856; TOPMed 0.05158.
gnomAD v4.1: 41,668 of 1,614,168 alleles (2.6%); highest among the groups gnomAD compares: African/African-American, 8.9%; 1,162 homozygotes.

Submission:

PreventionGenetics, part of Exact Sciences
Classification: Benign for PRRC2A-related condition. Last evaluated: 2020-01-14. Review status: no assertion criteria provided. Collection method: clinical testing. Allele origin: germline.
Comment: This variant is classified as benign based on ACMG/AMP sequence variant interpretation guidelines (Richards et al. 2015 PMID: 25741868, with internal and published modifications).